The following is an entry in ClinVar:

NM_032043.3(BRIP1):c.929G>C (p.Cys310Ser)

Gene: BRIP1 (BRCA1 interacting DNA helicase 1; minus strand). Cytogenetic location: 17q23.2.
Variant type: single nucleotide variant.
Coding change: c.929G>C on transcript NM_032043.3 (MANE Select); coding-DNA position 929, G replaced by C.
Protein change: p.Cys310Ser; replaces cysteine 310 with serine.
Molecular consequence: missense variant.
Genome position (GRCh38, 1-based): chr17:61,801,464, C>G on the plus strand (G>C on the coding strand, the complement: BRIP1 is on the minus strand). VCF-style: chr17-61801464-C-G. GRCh37 (hg19) VCF-style: chr17-59878825-C-G.
Other names: short protein forms C310S.
Identifiers: ClinVar variation 1002744 (VCV001002744.12), dbSNP rs1567832184, ClinGen allele CA400484308.

ClinVar aggregate classification (germline): Uncertain significance. Review status: criteria provided, multiple submitters, no conflicts (2 of 4 stars). 2 submissions from 2 submitters: Uncertain significance (2). Last evaluated 2025-09-25.

Conditions:
Familial cancer of breast. Also called: hereditary breast carcinoma; BREAST CANCER, FAMILIAL; Hereditary breast cancer. Identifiers: Orphanet 227535, MedGen C0346153, MONDO:0016419, OMIM 114480. Disease mechanism: loss of function.
Fanconi anemia complementation group J. Also called: BRIP1-Related Fanconi Anemia. Identifiers: Orphanet 84, MedGen C1836860, MONDO:0012187, OMIM 609054.
Hereditary cancer-predisposing syndrome. Also called: Hereditary neoplastic syndrome; Neoplastic Syndromes, Hereditary; Tumor predisposition; Hereditary Cancer Syndrome. Identifiers: Orphanet 140162, MedGen C0027672, MeSH D009386, MONDO:0015356.

Submissions (2):

Labcorp Genetics (formerly Invitae), Labcorp
Classification: Uncertain significance for Familial cancer of breast; Fanconi anemia complementation group J. Last evaluated: 2025-09-25. Review status: criteria provided, single submitter. Criteria: Invitae Variant Classification Sherloc (09022015). Collection method: clinical testing. Allele origin: germline.
Comment: This sequence change replaces cysteine, which is neutral and slightly polar, with serine, which is neutral and polar, at codon 310 of the BRIP1 protein (p.Cys310Ser). This variant is not present in population databases (gnomAD no frequency). This variant has not been reported in the literature in individuals affected with BRIP1-related conditions. ClinVar contains an entry for this variant (Variation ID: 1002744). Invitae Evidence Modeling of protein sequence and biophysical properties (such as structural, functional, and spatial information, amino acid conservation, physicochemical variation, residue mobility, and thermodynamic stability) indicates that this missense variant is expected to disrupt BRIP1 protein function with a positive predictive value of 95%. In summary, the available evidence is currently insufficient to determine the role of this variant in disease. Therefore, it has been classified as a Variant of Uncertain Significance.

Ambry Genetics
Classification: Uncertain significance for Hereditary cancer-predisposing syndrome. Last evaluated: 2023-04-27. Review status: criteria provided, single submitter. Criteria: Ambry Variant Classification Scheme 2023. Collection method: clinical testing. Allele origin: germline.
Comment: The p.C310S variant (also known as c.929G>C), located in coding exon 7 of the BRIP1 gene, results from a G to C substitution at nucleotide position 929. The cysteine at codon 310 is replaced by serine, an amino acid with dissimilar properties. This amino acid position is highly conserved in available vertebrate species. In addition, this alteration is predicted to be deleterious by in silico analysis. Since supporting evidence is limited at this time, the clinical significance of this alteration remains unclear.